The following is an entry in ClinVar:

ClinVar aggregate classification (germline): Benign/Likely benign. Review status: criteria provided, multiple submitters, no conflicts (2 of 4 stars). 7 submissions from 7 submitters: Benign (1); Likely benign (6). Last evaluated 2025-12-24.

Conditions:
FLNA-related disorder.
Familial thoracic aortic aneurysm and aortic dissection (TAAD). Also called: Thoracic aortic aneurysms and dissections. Identifiers: Orphanet 91387, MedGen C4707243, MONDO:0019625.
Melnick-Needles syndrome (MNS). Also called: Melnick-Needles Syndrome (FLNA-MNS); MELNICK-NEEDLES OSTEODYSPLASTY; OSTEODYSPLASTY OF MELNICK AND NEEDLES. Identifiers: Orphanet 2484, MedGen C0025237, MONDO:0010650, OMIM 309350.
Oto-palato-digital syndrome, type II (OPD2). Also called: Otopalatodigital Syndrome Type 2 (FLNA-OPD2); OPD II SYNDROME; Otopalatodigital Syndrome, Type II; FACIOPALATOOSSEOUS SYNDROME. Identifiers: Orphanet 669, Orphanet 90652, MedGen C1844696, MONDO:0010571, OMIM 304120.
Frontometaphyseal dysplasia (FMD1). Identifiers: Orphanet 1826, MedGen C0265293, MONDO:0015942.
Heterotopia, periventricular, X-linked dominant (PVNH1). Also called: PERIVENTRICULAR NODULAR HETEROTOPIA 1; PERIVENTRICULAR NODULAR HETEROTOPIA 4; HETEROTOPIA, PERIVENTRICULAR, 1; X-linked periventricular heterotopia. Identifiers: Orphanet 2149, Orphanet 82004, MedGen C1848213, MONDO:0010233, OMIM 300049.

Allele frequency attached by ClinVar (database versions not stated): gnomAD 0.00008 and 0.00009; gnomAD exomes 0.00009 and 0.00012; TOPMed 0.00011; ExAC 0.00014.
gnomAD v4.1: 138 of 1,211,045 alleles (0.011%); highest among the groups gnomAD compares: Non-Finnish European, 0.013%; no homozygotes.

Submissions (7):

Labcorp Genetics (formerly Invitae), Labcorp
Classification: Benign for Oto-palato-digital syndrome, type II; Heterotopia, periventricular, X-linked dominant; Frontometaphyseal dysplasia; Melnick-Needles syndrome. Last evaluated: 2025-12-24. Review status: criteria provided, single submitter. Criteria: Invitae Variant Classification Sherloc (09022015). Collection method: clinical testing. Allele origin: germline.

PreventionGenetics, part of Exact Sciences
Classification: Likely benign for FLNA-related condition. Last evaluated: 2025-07-09. Review status: criteria provided, single submitter. Criteria: ACMG Guidelines, 2015. Collection method: clinical testing. Allele origin: germline.
Comment: This variant is classified as likely benign based on ACMG/AMP sequence variant interpretation guidelines (Richards et al. 2015 PMID: 25741868, with internal and published modifications).

Mayo Clinic Laboratories, Mayo Clinic
Classification: Likely benign. Last evaluated: 2025-07-04. Review status: criteria provided, single submitter. Criteria: ACMG Guidelines, 2015. Collection method: clinical testing. Allele origin: germline. Observed: 4 variant alleles.
Comment: BS2, BP4, BP7

Blueprint Genetics
Classification: Likely benign. Last evaluated: 2024-08-12. Review status: criteria provided, single submitter. Criteria: ACMG Guidelines, 2015. Collection method: clinical testing. Allele origin: germline.

CeGaT Center for Human Genetics Tuebingen
Classification: Likely benign. Last evaluated: 2023-10-01. Review status: criteria provided, single submitter. Criteria: CeGaT Center For Human Genetics Tuebingen Variant Classification Criteria Version 2. Collection method: clinical testing. Allele origin: germline. Affected: yes. Observed: 2 variant alleles.
Comment: FLNA: BP4, BP7, BS2

GeneDx
Classification: Likely benign. Last evaluated: 2019-10-29. Review status: criteria provided, single submitter. Criteria: GeneDx Variant Classification Process June 2021. Collection method: clinical testing. Allele origin: germline. Affected: yes.

Ambry Genetics
Classification: Likely benign for Familial thoracic aortic aneurysm and aortic dissection. Last evaluated: 2018-08-28. Review status: criteria provided, single submitter. Criteria: Ambry Variant Classification Scheme 2023. Collection method: clinical testing. Allele origin: germline.

NM_001110556.2(FLNA):c.7596A>G (p.Ser2532=)

Genes: FLNA (filamin A; minus strand), LOC107988032 (Xq28 proximal FLNA-EMD recombination region; plus strand). Cytogenetic location: Xq28.
Variant type: single nucleotide variant.
Coding change: c.7596A>G on transcript NM_001110556.2 (MANE Select); coding-DNA position 7596, A replaced by G.
Protein change: p.Ser2532=; no amino-acid change (serine 2532 retained).
Molecular consequence: synonymous variant.
Genome position (GRCh38, 1-based): chrX:154,349,522, T>C on the plus strand (A>G on the coding strand, the complement: FLNA is on the minus strand). VCF-style: chrX-154349522-T-C. GRCh37 (hg19) VCF-style: chrX-153577890-T-C.
Other names: p.Ser2524=; c.7572A>G, p.Ser2524= (NM_001456.4); c.7596A>G (NM_001110556.1).
Identifiers: ClinVar variation 465023 (VCV000465023.42), dbSNP rs200694807, ClinGen allele CA10559864.